The following is an entry in ClinVar:

NM_001018005.2(TPM1):c.240+4218C>T

Genes: TPM1 (tropomyosin 1; plus strand), TPM1-AS (TPM1 antisense RNA; minus strand), LOC130057222 (ATAC-STARR-seq lymphoblastoid silent region 6507; plus strand). Cytogenetic location: 15q22.2.
Variant type: single nucleotide variant.
Coding change: c.240+4218C>T on transcript NM_001018005.2 (MANE Select); 4218 bases into the intron after coding-DNA position 240, C replaced by T.
Molecular consequence: intron variant. On other transcripts: non-coding transcript variant (1).
Genome position (GRCh38, 1-based): chr15:63,048,370, C>T. VCF-style: chr15-63048370-C-T. GRCh37 (hg19) VCF-style: chr15-63340569-C-T.
Other names: c.366+4218C>T (NM_001365778.1); c.240+4539C>T (NM_001018020.2, NM_001018007.2, NM_001301244.2); c.240+4218C>T (NM_001018006.2, NM_001365776.1, NM_001018004.2 and 3 more transcripts).
Identifiers: ClinVar variation 671947 (VCV000671947.2), dbSNP rs62013182, ClinGen allele CA028138.

ClinVar aggregate classification (germline): Likely benign. Review status: criteria provided, multiple submitters, no conflicts (2 of 4 stars). 2 submissions from 2 submitters: Likely benign (2). Last evaluated 2018-06-14.

Allele frequency attached by ClinVar (database versions not stated): 1000 Genomes Project 0.00679; ExAC 0.00794; 1000 Genomes Project 30x 0.00812; gnomAD 0.01613 and 0.01724; TOPMed 0.01771; gnomAD exomes 0.02258 and 0.02322.
gnomAD v4.1: 28,671 of 1,313,556 alleles (2.2%); highest among the groups gnomAD compares: Non-Finnish European, 2.5%; 395 homozygotes.

Submissions (2):

GeneDx
Classification: Likely benign. Last evaluated: 2018-06-14. Review status: criteria provided, single submitter. Criteria: GeneDx Variant Classification (06012015). Collection method: clinical testing. Allele origin: germline. Affected: yes.
Comment: This variant is considered likely benign or benign based on one or more of the following criteria: it is a conservative change, it occurs at a poorly conserved position in the protein, it is predicted to be benign by multiple in silico algorithms, and/or has population frequency not consistent with disease.

Breakthrough Genomics
Classification: Likely benign. Review status: criteria provided, single submitter. Criteria: ACMG Guidelines, 2015. Collection method: not provided. Allele origin: germline. Inheritance: Autosomal dominant inheritance. Affected: yes.